The following is an entry in ClinVar:

NM_001283009.2(RTEL1):c.2059G>A (p.Ala687Thr)

Genes: RTEL1 (regulator of telomere elongation helicase 1; plus strand), RTEL1-TNFRSF6B (RTEL1-TNFRSF6B readthrough (NMD candidate); plus strand). Cytogenetic location: 20q13.33.
Variant type: single nucleotide variant.
Coding change: c.2059G>A on transcript NM_001283009.2 (MANE Select); coding-DNA position 2059, G replaced by A.
Protein change: p.Ala687Thr; replaces alanine 687 with threonine.
Molecular consequence: missense variant. On other transcripts: non-coding transcript variant (1).
Genome position (GRCh38, 1-based): chr20:63,689,783, G>A. VCF-style: chr20-63689783-G-A. GRCh37 (hg19) VCF-style: chr20-62321136-G-A.
Other names: c.1390G>A, p.Ala464Thr (NM_001283010.1); c.2059G>A, p.Ala687Thr (NM_016434.4); c.2131G>A, p.Ala711Thr (NM_032957.5); short protein forms A464T, A687T, A711T.
Identifiers: ClinVar variation 3948440 (VCV003948440.1).

ClinVar aggregate classification (germline): Uncertain significance (1 of 4 stars; one submission).

Conditions:
Inborn genetic diseases. Identifiers: MedGen C0950123, MeSH D030342.

Submission:

Ambry Genetics
Classification: Uncertain significance for Inborn genetic diseases. Last evaluated: 2025-05-31. Review status: criteria provided, single submitter. Criteria: Ambry Variant Classification Scheme 2023. Collection method: clinical testing. Allele origin: germline.
Comment: The p.A687T variant (also known as c.2059G>A), located in coding exon 23 of the RTEL1 gene, results from a G to A substitution at nucleotide position 2059. The alanine at codon 687 is replaced by threonine, an amino acid with similar properties. This amino acid position is conserved. In addition, this alteration is predicted to be deleterious by in silico analysis. Based on the available evidence, the clinical significance of this variant remains unclear.